The following is an entry in ClinVar:

NM_001283009.2(RTEL1):c.3085C>G (p.Leu1029Val)

Genes: RTEL1-TNFRSF6B (RTEL1-TNFRSF6B readthrough (NMD candidate); plus strand), RTEL1 (regulator of telomere elongation helicase 1; plus strand). Cytogenetic location: 20q13.33.
Variant type: single nucleotide variant.
Coding change: c.3085C>G on transcript NM_001283009.2 (MANE Select); coding-DNA position 3085, C replaced by G.
Protein change: p.Leu1029Val; replaces leucine 1029 with valine.
Molecular consequence: missense variant. On other transcripts: non-coding transcript variant (1).
Genome position (GRCh38, 1-based): chr20:63,694,464, C>G. VCF-style: chr20-63694464-C-G. GRCh37 (hg19) VCF-style: chr20-62325817-C-G.
Other names: c.3157C>G (NM_032957.4); c.2416C>G, p.Leu806Val (NM_001283010.1); c.3085C>G, p.Leu1029Val (NM_016434.4); c.3157C>G, p.Leu1053Val (NM_032957.5); short protein forms L1029V, L1053V, L806V.
Identifiers: ClinVar variation 3762658 (VCV003762658.4).
Genomic context (GRCh38, chr20:63,694,464, plus strand): 5'-TCCACGGCTGCAGCCCAGCAGCTGGACCCCCAAGAGCACCTGAACCAGGGCAGGCCCCAC[C>G]TGTCGCCCAGGCCACCCCCAACAGGTAGCTGACTCCTGAACCGTGTGCAGCCTACGACTT-3'
Protein context (NP_001269938.1, residues 1019-1039): QEHLNQGRPH[Leu1029Val]SPRPPPTGDP

ClinVar aggregate classification (germline): Uncertain significance. Review status: criteria provided, multiple submitters, no conflicts (2 of 4 stars). 3 submissions from 3 submitters: Uncertain significance (2). 1 of the submissions does not count toward it. Last evaluated 2025-05-25.

Conditions:
Dyskeratosis congenita. Identifiers: Orphanet 1775, MedGen C0265965, MONDO:0015780.
Dyskeratosis congenita, autosomal recessive 5 (DKCB5). Identifiers: MedGen C3554656, MONDO:0014076, OMIM 615190.
Pulmonary fibrosis and/or bone marrow failure, Telomere-related, 3. Also called: PULMONARY FIBROSIS AND/OR BONE MARROW FAILURE SYNDROME, TELOMERE-RELATED, 3. Identifiers: Orphanet 2032, MedGen C4225346, MONDO:0014613, OMIM 616373.
Inborn genetic diseases. Identifiers: MedGen C0950123, MeSH D030342.

gnomAD v4.1: 4 of 1,604,380 alleles (0.00025%); highest among the groups gnomAD compares: Non-Finnish European, 0.00034%; no homozygotes.

Submissions (3):

Ambry Genetics
Classification: Uncertain significance for Inborn genetic diseases. Last evaluated: 2025-05-25. Review status: criteria provided, single submitter. Criteria: Ambry Variant Classification Scheme 2023. Collection method: clinical testing. Allele origin: germline.
Comment: The p.L1029V variant (also known as c.3085C>G), located in coding exon 30 of the RTEL1 gene, results from a C to G substitution at nucleotide position 3085. The leucine at codon 1029 is replaced by valine, an amino acid with highly similar properties. This amino acid position is conserved. In addition, the in silico prediction for this alteration is inconclusive. Based on the available evidence, the clinical significance of this variant remains unclear.

Labcorp Genetics (formerly Invitae), Labcorp
Classification: Uncertain significance for Dyskeratosis congenita, autosomal recessive 5; Pulmonary fibrosis and/or bone marrow failure, Telomere-related, 3. Last evaluated: 2024-09-15. Review status: criteria provided, single submitter. Criteria: Invitae Variant Classification Sherloc (09022015). Collection method: clinical testing. Allele origin: germline.
Comment: This sequence change replaces leucine, which is neutral and non-polar, with valine, which is neutral and non-polar, at codon 1029 of the RTEL1 protein (p.Leu1029Val). This variant is present in population databases (no rsID available, gnomAD 0.01%). This variant has not been reported in the literature in individuals affected with RTEL1-related conditions. An algorithm developed to predict the effect of missense changes on protein structure and function (PolyPhen-2) suggests that this variant is likely to be disruptive. In summary, the available evidence is currently insufficient to determine the role of this variant in disease. Therefore, it has been classified as a Variant of Uncertain Significance.

Natera, Inc.
Classification: Uncertain significance for Dyskeratosis congenita. Last evaluated: 2025-05-05. Review status: no assertion criteria provided. Collection method: clinical testing. Allele origin: germline. Not counted in ClinVar's aggregate classification.